The following is an entry in ClinVar:

NM_006995.5(BTN2A2):c.1517T>C (p.Met506Thr)

Gene: BTN2A2 (butyrophilin subfamily 2 member A2; plus strand). Cytogenetic location: 6p22.2.
Variant type: single nucleotide variant.
Coding change: c.1517T>C on transcript NM_006995.5 (MANE Select); coding-DNA position 1517, T replaced by C.
Protein change: p.Met506Thr; replaces methionine 506 with threonine.
Molecular consequence: missense variant. On other transcripts: 3 prime UTR variant (1), intron variant (1).
Genome position (GRCh38, 1-based): chr6:26,392,912, T>C. VCF-style: chr6-26392912-T-C. GRCh37 (hg19) VCF-style: chr6-26393140-T-C.
Other names: c.1517T>C, p.Met506Thr (NM_001197237.2); c.887T>C, p.Met296Thr (NM_001197239.2); c.*617T>C (NM_001197240.2); c.1169T>C, p.Met390Thr (NM_181531.3); c.980-1386T>C (NM_001197238.2); short protein forms M296T, M390T, M506T.
Identifiers: ClinVar variation 3046598 (VCV003046598.2), dbSNP rs143694906, ClinGen allele CA3672714.

ClinVar aggregate classification (germline): Likely benign (0 of 4 stars; one submission).

Conditions:
BTN2A2-related disorder. Also called: BTN2A2-related condition.

Allele frequency attached by ClinVar (database versions not stated): gnomAD 0.00067; 1000 Genomes Project 30x 0.00078; 1000 Genomes Project 0.00080; TOPMed 0.00088; ESP Exome Variant Server 0.00108.
gnomAD v4.1: 304 of 1,613,760 alleles (0.019%); highest among the groups gnomAD compares: African/African-American, 0.24%; 1 homozygote.

Submission:

PreventionGenetics, part of Exact Sciences
Classification: Likely benign for BTN2A2-related condition. Last evaluated: 2022-01-31. Review status: no assertion criteria provided. Collection method: clinical testing. Allele origin: germline.
Comment: This variant is classified as likely benign based on ACMG/AMP sequence variant interpretation guidelines (Richards et al. 2015 PMID: 25741868, with internal and published modifications).